The following is an entry in ClinVar:

NM_177438.3(DICER1):c.459dup (p.Val154fs)

Gene: DICER1 (dicer 1, ribonuclease III; minus strand). Cytogenetic location: 14q32.13.
Variant type: Duplication.
Coding change: c.459dup on transcript NM_177438.3 (MANE Select); coding-DNA position 459, one base duplicated (T; older notation c.459dupT).
Protein change: p.Val154fs; shifts the reading frame from valine 154.
Molecular consequence: frameshift variant.
Genome position (GRCh38, 1-based): chr14:95,130,172, A duplicated on the plus strand (T on the coding strand, the reverse complement: DICER1 is on the minus strand). VCF-style (leftmost placement, unchanged base first): chr14-95130171-C-CA. GRCh37 (hg19) VCF-style: chr14-95596508-C-CA.
Other names: c.459dupT (NM_177438.2); c.459dup, p.Val154fs (NM_001195573.1, NM_001271282.3, NM_001291628.2 and 1 more transcripts); short protein forms V154fs.
Identifiers: ClinVar variation 477209 (VCV000477209.11), dbSNP rs1555375978, ClinGen allele CA658658271.

ClinVar aggregate classification (germline): Pathogenic. Review status: criteria provided, multiple submitters, no conflicts (2 of 4 stars). 2 submissions from 2 submitters: Pathogenic (2). Last evaluated 2025-05-14.

Conditions:
DICER1-related tumor predisposition. Also called: DICER1-related pleuropulmonary blastoma cancer predisposition syndrome; DICER1 syndrome. Identifiers: Orphanet 284343, MedGen C3839822, MONDO:0100216.
Hereditary cancer-predisposing syndrome. Also called: Tumor predisposition; Neoplastic Syndromes, Hereditary; Hereditary Cancer Syndrome; Hereditary neoplastic syndrome. Identifiers: Orphanet 140162, MedGen C0027672, MeSH D009386, MONDO:0015356.

Submissions (2):

Ambry Genetics
Classification: Pathogenic for Hereditary cancer-predisposing syndrome. Last evaluated: 2025-05-14. Review status: criteria provided, single submitter. Criteria: Ambry Variant Classification Scheme 2023. Collection method: clinical testing. Allele origin: germline.
Comment: The c.459dupT pathogenic mutation, located in coding exon 4 of the DICER1 gene, results from a duplication of T at nucleotide position 459, causing a translational frameshift with a predicted alternate stop codon (p.V154Cfs*17). This alteration is expected to result in loss of function by premature protein truncation or nonsense-mediated mRNA decay. As such, this alteration is interpreted as a disease-causing mutation.

Labcorp Genetics (formerly Invitae), Labcorp
Classification: Pathogenic for DICER1-related tumor predisposition. Last evaluated: 2023-08-10. Review status: criteria provided, single submitter. Criteria: Invitae Variant Classification Sherloc (09022015). Collection method: clinical testing. Allele origin: germline.
Comment: For these reasons, this variant has been classified as Pathogenic. ClinVar contains an entry for this variant (Variation ID: 477209). This variant has not been reported in the literature in individuals affected with DICER1-related conditions. This variant is not present in population databases (gnomAD no frequency). This sequence change creates a premature translational stop signal (p.Val154Cysfs*17) in the DICER1 gene. It is expected to result in an absent or disrupted protein product. Loss-of-function variants in DICER1 are known to be pathogenic (PMID: 19556464, 21266384).

Literature cited by the submitters: PubMed 19556464 (cited by Labcorp Genetics (formerly Invitae), Labcorp); PubMed 21266384 (cited by Labcorp Genetics (formerly Invitae), Labcorp).